The following is an entry in ClinVar:

NM_001370466.1(NOD2):c.2501A>C (p.His834Pro)

Gene: NOD2 (nucleotide binding oligomerization domain containing 2; plus strand). Cytogenetic location: 16q12.1.
Variant type: single nucleotide variant.
Coding change: c.2501A>C on transcript NM_001370466.1 (MANE Select); coding-DNA position 2501, A replaced by C.
Protein change: p.His834Pro; replaces histidine 834 with proline.
Molecular consequence: missense variant. On other transcripts: non-coding transcript variant (1).
Genome position (GRCh38, 1-based): chr16:50,716,926, A>C. VCF-style: chr16-50716926-A-C. GRCh37 (hg19) VCF-style: chr16-50750837-A-C.
Other names: c.2501A>C, p.His834Pro (NM_001293557.2); c.2582A>C, p.His861Pro (NM_022162.3); short protein forms H861P, H834P.
Identifiers: ClinVar variation 1476012 (VCV001476012.8), dbSNP rs763542516, ClinGen allele CA395873838.
Genomic context (GRCh38, chr16:50,716,926, plus strand): 5'-TCTCCTCTCTTCTGGAACTGAACAGTCTATTCAACAACAAATTGACTGACGGCTGTGCAC[A>C]CTCCATGGCTAAGCTCCTTGCATGCAGGCAGAACTTCTTGGCATTGAGGTGAGCCCAGGT-3'
Protein context (NP_001357395.1, residues 824-844): FNNKLTDGCA[His834Pro]SMAKLLACRQ

ClinVar aggregate classification (germline): Uncertain significance (1 of 4 stars; one submission).

Conditions:
Blau syndrome (BLAUS). Also called: GRANULOMATOSIS, FAMILIAL JUVENILE SYSTEMIC; GRANULOMATOSIS, FAMILIAL, BLAU TYPE; GRANULOMATOUS INFLAMMATORY ARTHRITIS, DERMATITIS, AND UVEITIS, FAMILIAL; JABS SYNDROME; ARTHROCUTANEOUVEAL GRANULOMATOSIS. Identifiers: Orphanet 90340, MedGen C5201146, MONDO:0008523, OMIM 186580.
Regional enteritis. Also called: Enteritis, Granulomatous. Identifiers: MedGen C0678202, MeSH D003424.

Submission:

Labcorp Genetics (formerly Invitae), Labcorp
Classification: Uncertain significance for Regional enteritis; Blau syndrome. Last evaluated: 2025-03-31. Review status: criteria provided, single submitter. Criteria: Invitae Variant Classification Sherloc (09022015). Collection method: clinical testing. Allele origin: germline.
Comment: This sequence change replaces histidine, which is basic and polar, with proline, which is neutral and non-polar, at codon 861 of the NOD2 protein (p.His861Pro). This variant is not present in population databases (gnomAD no frequency). This variant has not been reported in the literature in individuals affected with NOD2-related conditions. ClinVar contains an entry for this variant (Variation ID: 1476012). Invitae Evidence Modeling of protein sequence and biophysical properties (such as structural, functional, and spatial information, amino acid conservation, physicochemical variation, residue mobility, and thermodynamic stability) indicates that this missense variant is not expected to disrupt NOD2 protein function with a negative predictive value of 95%. In summary, the available evidence is currently insufficient to determine the role of this variant in disease. Therefore, it has been classified as a Variant of Uncertain Significance.